The following is an entry in ClinVar:

ClinVar aggregate classification (germline): Benign. Review status: criteria provided, multiple submitters, no conflicts (2 of 4 stars). 9 submissions from 9 submitters: Benign (8). 1 of the submissions does not count toward it. Last evaluated 2026-02-03.

Conditions:
Inborn genetic diseases. Identifiers: MedGen C0950123, MeSH D030342.

Allele frequency attached by ClinVar (database versions not stated): 1000 Genomes Project 0.02993; 1000 Genomes Project 30x 0.03080; TOPMed 0.05395; ESP Exome Variant Server 0.05510; gnomAD 0.05665 and 0.05862; gnomAD exomes 0.05728 and 0.07613; ExAC 0.05902.
gnomAD v4.1: 89,689 of 1,210,383 alleles (7.4%); highest among the groups gnomAD compares: Non-Finnish European, 8.6%; 2,555 homozygotes.

Submissions (9):

Labcorp Genetics (formerly Invitae), Labcorp
Classification: Benign. Last evaluated: 2026-02-03. Review status: criteria provided, single submitter. Criteria: Invitae Variant Classification Sherloc (09022015). Collection method: clinical testing. Allele origin: germline.

Blueprint Genetics
Classification: Benign. Last evaluated: 2024-11-28. Review status: criteria provided, single submitter. Criteria: ACMG Guidelines, 2015. Collection method: clinical testing. Allele origin: germline.

Athena Diagnostics
Classification: Benign. Last evaluated: 2018-05-05. Review status: criteria provided, single submitter. Criteria: Athena Diagnostics Criteria. Collection method: clinical testing. Allele origin: germline.

Mayo Clinic Laboratories, Mayo Clinic
Classification: Benign. Last evaluated: 2018-04-02. Review status: criteria provided, single submitter. Criteria: ACMG Guidelines, 2015. Collection method: clinical testing. Allele origin: germline. Observed: 49 variant alleles.

Ambry Genetics
Classification: Benign for Inborn genetic diseases. Last evaluated: 2014-12-13. Review status: criteria provided, single submitter. Criteria: Ambry Variant Classification Scheme 2023. Collection method: clinical testing. Allele origin: germline.

GeneDx
Classification: Benign. Last evaluated: 2014-05-29. Review status: criteria provided, single submitter. Criteria: GeneDx Variant Classification (06012015). Collection method: clinical testing. Allele origin: germline. Affected: yes.
Comment: This variant is considered likely benign or benign based on one or more of the following criteria: it is a conservative change, it occurs at a poorly conserved position in the protein, it is predicted to be benign by multiple in silico algorithms, and/or has population frequency not consistent with disease.

Breakthrough Genomics
Classification: Benign. Review status: criteria provided, single submitter. Criteria: ACMG Guidelines, 2015. Collection method: not provided. Allele origin: germline. Inheritance: X-linked inheritance. Affected: yes.

PreventionGenetics, part of Exact Sciences
Classification: Benign. Review status: criteria provided, single submitter. Criteria: ACMG Guidelines, 2015. Collection method: clinical testing. Allele origin: germline.

Genetic Services Laboratory, University of Chicago
Classification: Likely benign. Review status: no assertion criteria provided. Collection method: clinical testing. Allele origin: germline. Inheritance: X-linked inheritance. Not counted in ClinVar's aggregate classification.
Comment: Likely benign based on allele frequency in 1000 Genomes Project or ESP global frequency and its presence in a patient with a rare or unrelated disease phenotype. NOT Sanger confirmed

NM_002547.3(OPHN1):c.115G>A (p.Val39Ile)

Gene: OPHN1 (oligophrenin 1; minus strand). Cytogenetic location: Xq12.
Variant type: single nucleotide variant.
Coding change: c.115G>A on transcript NM_002547.3 (MANE Select); coding-DNA position 115, G replaced by A.
Protein change: p.Val39Ile; replaces valine 39 with isoleucine.
Molecular consequence: missense variant.
Genome position (GRCh38, 1-based): chrX:68,432,906, C>T on the plus strand (G>A on the coding strand, the complement: OPHN1 is on the minus strand). VCF-style: chrX-68432906-C-T. GRCh37 (hg19) VCF-style: chrX-67652748-C-T.
Other names: p.V39I:GTA>ATA; short protein forms V39I.
Identifiers: ClinVar variation 138573 (VCV000138573.23), dbSNP rs41303733, ClinGen allele CA172903.